The following is an entry in ClinVar:

ClinVar aggregate classification (germline): Uncertain significance. Review status: criteria provided, single submitter (1 of 4 stars). 2 submissions from 2 submitters: Uncertain significance (1). 1 of the submissions does not count toward it. Last evaluated 2023-08-04.

Conditions:
SCP2-related disorder. Also called: SCP2-related condition.

Allele frequency attached by ClinVar (database versions not stated): gnomAD 0.00001; gnomAD exomes 0.00001 and 0.00002; TOPMed 0.00001; ExAC 0.00002.

Submissions (2):

Labcorp Genetics (formerly Invitae), Labcorp
Classification: Uncertain significance. Last evaluated: 2023-08-04. Review status: criteria provided, single submitter. Criteria: Invitae Variant Classification Sherloc (09022015). Collection method: clinical testing. Allele origin: germline.
Comment: This variant is present in population databases (rs769732346, gnomAD 0.003%). This sequence change falls in intron 10 of the SCP2 gene. It does not directly change the encoded amino acid sequence of the SCP2 protein. It affects a nucleotide within the consensus splice site. In summary, the available evidence is currently insufficient to determine the role of this variant in disease. Therefore, it has been classified as a Variant of Uncertain Significance. Variants that disrupt the consensus splice site are a relatively common cause of aberrant splicing (PMID: 17576681, 9536098). Algorithms developed to predict the effect of sequence changes on RNA splicing suggest that this variant is not likely to affect RNA splicing. ClinVar contains an entry for this variant (Variation ID: 1380371). This variant has not been reported in the literature in individuals affected with SCP2-related conditions.

PreventionGenetics, part of Exact Sciences
Classification: Likely benign for SCP2-related condition. Last evaluated: 2024-01-16. Review status: no assertion criteria provided. Collection method: clinical testing. Allele origin: germline. Not counted in ClinVar's aggregate classification.
Comment: This variant is classified as likely benign based on ACMG/AMP sequence variant interpretation guidelines (Richards et al. 2015 PMID: 25741868, with internal and published modifications).

Literature cited by the submitters: PubMed 17576681 (cited by Labcorp Genetics (formerly Invitae), Labcorp); PubMed 9536098 (cited by Labcorp Genetics (formerly Invitae), Labcorp).

NM_002979.5(SCP2):c.974-3T>C

Gene: SCP2 (sterol carrier protein 2; plus strand). Cytogenetic location: 1p32.3.
Variant type: single nucleotide variant.
Coding change: c.974-3T>C on transcript NM_002979.5 (MANE Select); 3 bases into the intron before coding-DNA position 974, T replaced by C.
Molecular consequence: intron variant.
Genome position (GRCh38, 1-based): chr1:52,988,026, T>C. VCF-style: chr1-52988026-T-C. GRCh37 (hg19) VCF-style: chr1-53453698-T-C.
Other names: c.842-3T>C (NM_001193600.2, NM_001007098.3); c.902-3T>C (NM_001193599.2); c.731-3T>C (NM_001193617.2); c.974-3T>C (NM_001330587.2, NM_002979.4).
Identifiers: ClinVar variation 1380371 (VCV001380371.8), dbSNP rs769732346, ClinGen allele CA857273.